The following is an entry in ClinVar:

ClinVar aggregate classification (germline): Likely benign. Review status: criteria provided, multiple submitters, no conflicts (2 of 4 stars). 3 submissions from 3 submitters: Likely benign (2). 1 of the submissions does not count toward it. Last evaluated 2026-01-05.

Conditions:
KIF1C-related disorder. Also called: KIF1C-related condition.
Spastic ataxia 2. Also called: Ataxia, spastic, 2, autosomal recessive. Identifiers: Orphanet 397946, MedGen C1969796, MONDO:0012651, OMIM 611302.

Allele frequency attached by ClinVar (database versions not stated): gnomAD exomes 0.00013 and 0.00025; 1000 Genomes Project 0.00040; 1000 Genomes Project 30x 0.00047; ExAC 0.00064; ESP Exome Variant Server 0.00077; TOPMed 0.00098; gnomAD 0.00100 and 0.00103.
gnomAD v4.1: 367 of 1,584,848 alleles (0.023%); highest among the groups gnomAD compares: African/African-American, 0.34%; 2 homozygotes.

Submissions (3):

Labcorp Genetics (formerly Invitae), Labcorp
Classification: Likely benign for Spastic ataxia 2. Last evaluated: 2026-01-05. Review status: criteria provided, single submitter. Criteria: Invitae Variant Classification Sherloc (09022015). Collection method: clinical testing. Allele origin: germline.

Blueprint Genetics
Classification: Likely benign. Last evaluated: 2024-09-11. Review status: criteria provided, single submitter. Criteria: ACMG Guidelines, 2015. Collection method: clinical testing. Allele origin: germline.

PreventionGenetics, part of Exact Sciences
Classification: Likely benign for KIF1C-related condition. Last evaluated: 2019-07-10. Review status: no assertion criteria provided. Collection method: clinical testing. Allele origin: germline. Not counted in ClinVar's aggregate classification.
Comment: This variant is classified as likely benign based on ACMG/AMP sequence variant interpretation guidelines (Richards et al. 2015 PMID: 25741868, with internal and published modifications).

NM_006612.6(KIF1C):c.1572-3C>T

Gene: KIF1C (kinesin family member 1C; plus strand). Cytogenetic location: 17p13.2.
Variant type: single nucleotide variant.
Coding change: c.1572-3C>T on transcript NM_006612.6 (MANE Select); 3 bases into the intron before coding-DNA position 1572, C replaced by T.
Molecular consequence: intron variant.
Genome position (GRCh38, 1-based): chr17:5,014,740, C>T. VCF-style: chr17-5014740-C-T. GRCh37 (hg19) VCF-style: chr17-4918035-C-T.
Identifiers: ClinVar variation 703846 (VCV000703846.14), dbSNP rs141461209, ClinGen allele CA8319058.